The following is an entry in ClinVar:

ClinVar aggregate classification (germline): Benign (1 of 4 stars; one submission).

Conditions:
MELAS syndrome (MELAS). Also called: Juvenile myopathy, encephalopathy, lactic acidosis, stroke. Identifiers: Orphanet 550, MedGen C0162671, MONDO:0010789, OMIM 540000.

Submission:

Wong Mito Lab, Molecular and Human Genetics, Baylor College of Medicine
Classification: Benign for MELAS syndrome. Last evaluated: 2019-07-12. Review status: criteria provided, single submitter. Criteria: Modified ACMG Guidelines (Unpublished). Collection method: clinical testing. Allele origin: germline.
Comment: The NC_012920.1:m.5655T>C variant in MT-TA gene is interpreted to be a Benign variant based on the modified ACMG guidelines (unpublished). This variant meets the following evidence codes reported in the guidelines: BS1, BS2, BP4

Literature cited by the submitters: PubMed 31965079.

NC_012920.1(MT-TA):m.5655T>C

Gene: MT-TA (mitochondrially encoded tRNA alanine; minus strand).
Variant type: single nucleotide variant.
Genome position: chrM-5655-T-C.
Identifiers: ClinVar variation 689966 (VCV000689966.1), dbSNP rs1556423019, ClinGen allele CA913180140.